The following is an entry in ClinVar:

ClinVar aggregate classification (germline): Likely benign. Review status: criteria provided, single submitter (1 of 4 stars). 2 submissions from 2 submitters: Likely benign (1). 1 of the submissions does not count toward it. Last evaluated 2024-11-05.

Conditions:
Autosomal recessive polycystic kidney disease (ARPKD). Also called: AR polycystic kidney disease. Identifiers: Orphanet 731, Orphanet 8378, MedGen C0085548, MeSH D017044, MONDO:0009889.
PKHD1-related disorder. Also called: PKHD1-related condition.

Allele frequency attached by ClinVar (database versions not stated): gnomAD exomes below 0.00001 and 0.00001; ExAC 0.00001.
gnomAD v4.1: 1 of 1,613,888 alleles (0.000062%); highest among the groups gnomAD compares: Non-Finnish European, 0.000085%; no homozygotes.

Submissions (2):

Labcorp Genetics (formerly Invitae), Labcorp
Classification: Likely benign for Autosomal recessive polycystic kidney disease. Last evaluated: 2024-11-05. Review status: criteria provided, single submitter. Criteria: Invitae Variant Classification Sherloc (09022015). Collection method: clinical testing. Allele origin: germline.

PreventionGenetics, part of Exact Sciences
Classification: Likely benign for PKHD1-related condition. Last evaluated: 2022-05-10. Review status: no assertion criteria provided. Collection method: clinical testing. Allele origin: germline. Not counted in ClinVar's aggregate classification.
Comment: This variant is classified as likely benign based on ACMG/AMP sequence variant interpretation guidelines (Richards et al. 2015 PMID: 25741868, with internal and published modifications).

NM_138694.4(PKHD1):c.10302T>G (p.Thr3434=)

Gene: PKHD1 (PKHD1 ciliary IPT domain containing fibrocystin/polyductin; minus strand). Cytogenetic location: 6p12.3.
Variant type: single nucleotide variant.
Coding change: c.10302T>G on transcript NM_138694.4 (MANE Select); coding-DNA position 10302, T replaced by G.
Protein change: p.Thr3434=; no amino-acid change (threonine 3434 retained).
Molecular consequence: synonymous variant.
Genome position (GRCh38, 1-based): chr6:51,659,824, A>C on the plus strand (T>G on the coding strand, the complement: PKHD1 is on the minus strand). VCF-style: chr6-51659824-A-C. GRCh37 (hg19) VCF-style: chr6-51524622-A-C.
Other names: c.10302T>G (NM_138694.3).
Identifiers: ClinVar variation 1097135 (VCV001097135.11), dbSNP rs776512983, ClinGen allele CA3851111.